The following is an entry in ClinVar:

NM_006269.2(RP1):c.1261A>T (p.Ser421Cys)

Gene: RP1 (RP1 axonemal microtubule associated; plus strand). Cytogenetic location: 8q12.1.
Variant type: single nucleotide variant.
Coding change: c.1261A>T on transcript NM_006269.2 (MANE Select); coding-DNA position 1261, A replaced by T.
Protein change: p.Ser421Cys; replaces serine 421 with cysteine.
Molecular consequence: missense variant. On other transcripts: intron variant (1).
Genome position (GRCh38, 1-based): chr8:54,625,143, A>T. VCF-style: chr8-54625143-A-T. GRCh37 (hg19) VCF-style: chr8-55537703-A-T.
Other names: c.787+2855A>T (NM_001375654.1); short protein forms S421C.
Identifiers: ClinVar variation 1522373 (VCV001522373.8), dbSNP rs1440127138, ClinGen allele CA370989749.
Genomic context (GRCh38, chr8:54,625,143, plus strand): 5'-GAGGGCAGTTTGGCAGAGGAGATAAACATTCAAATGACAGATCAAGTGGCTGAAACTTGC[A>T]GTTCTGCTAGTTGGGAGAATGCTACTGTGGACACAGATATCATCCAGGGAACTCAAGACC-3'
Protein context (NP_006260.1, residues 411-431): QMTDQVAETC[Ser421Cys]SASWENATVD

ClinVar aggregate classification (germline): Uncertain significance (1 of 4 stars; one submission).

gnomAD v4.1: 2 of 1,614,082 alleles (0.00012%); highest among the groups gnomAD compares: Admixed American, 0.0033%; no homozygotes.

Submission:

Labcorp Genetics (formerly Invitae), Labcorp
Classification: Uncertain significance. Last evaluated: 2022-02-10. Review status: criteria provided, single submitter. Criteria: Invitae Variant Classification Sherloc (09022015). Collection method: clinical testing. Allele origin: germline.
Comment: This variant has not been reported in the literature in individuals affected with RP1-related conditions. In summary, the available evidence is currently insufficient to determine the role of this variant in disease. Therefore, it has been classified as a Variant of Uncertain Significance. Algorithms developed to predict the effect of missense changes on protein structure and function are either unavailable or do not agree on the potential impact of this missense change (SIFT: "Deleterious"; PolyPhen-2: "Possibly Damaging"; Align-GVGD: "Class C15"). This variant is present in population databases (no rsID available, gnomAD 0.006%). This sequence change replaces serine, which is neutral and polar, with cysteine, which is neutral and slightly polar, at codon 421 of the RP1 protein (p.Ser421Cys).